The following is an entry in ClinVar:

NM_052845.4(MMAB):c.583C>T (p.Arg195Cys)

Gene: MMAB (metabolism of cobalamin associated B; minus strand). Cytogenetic location: 12q24.11.
Variant type: single nucleotide variant.
Coding change: c.583C>T on transcript NM_052845.4 (MANE Select); coding-DNA position 583, C replaced by T.
Protein change: p.Arg195Cys; replaces arginine 195 with cysteine.
Molecular consequence: missense variant. On other transcripts: non-coding transcript variant (1).
Genome position (GRCh38, 1-based): chr12:109,561,041, G>A on the plus strand (C>T on the coding strand, the complement: MMAB is on the minus strand). VCF-style: chr12-109561041-G-A. GRCh37 (hg19) VCF-style: chr12-109998846-G-A.
Other names: short protein forms R195C.
Identifiers: ClinVar variation 643413 (VCV000643413.5), dbSNP rs199853576, ClinGen allele CA6778823.

ClinVar aggregate classification (germline): Uncertain significance. Review status: criteria provided, multiple submitters, no conflicts (2 of 4 stars). 3 submissions from 3 submitters: Uncertain significance (2). 1 of the submissions does not count toward it. Last evaluated 2024-05-09.

Conditions:
Methylmalonic aciduria, cblB type (MACB). Also called: Vitamin B12-responsive methylmalonic acidemia type cblB; Methylmalonic acidemia cblB type; METHYLMALONIC ACIDURIA, VITAMIN B12-RESPONSIVE, DUE TO DEFECT IN SYNTHESIS OF ADENOSYLCOBALAMIN, cblB TYPE. Identifiers: Orphanet 28, Orphanet 79311, MedGen C1855102, MONDO:0009614, OMIM 251110.

Allele frequency attached by ClinVar (database versions not stated): gnomAD 0.00003; ExAC 0.00019; 1000 Genomes Project 0.00180; 1000 Genomes Project 30x 0.00187.
gnomAD v4.1: 120 of 1,439,994 alleles (0.0083%); highest among the groups gnomAD compares: East Asian, 0.13%; no homozygotes.

Submissions (3):

Fulgent Genetics
Classification: Uncertain significance for Methylmalonic aciduria, cblB type. Last evaluated: 2024-05-09. Review status: criteria provided, single submitter. Criteria: ACMG Guidelines, 2015. Collection method: clinical testing. Allele origin: germline.

Labcorp Genetics (formerly Invitae), Labcorp
Classification: Uncertain significance for Methylmalonic aciduria, cblB type. Last evaluated: 2022-10-24. Review status: criteria provided, single submitter. Criteria: Invitae Variant Classification Sherloc (09022015). Collection method: clinical testing. Allele origin: germline.
Comment: This sequence change replaces arginine, which is basic and polar, with cysteine, which is neutral and slightly polar, at codon 195 of the MMAB protein (p.Arg195Cys). This variant is present in population databases (rs199853576, gnomAD 0.2%). This variant has not been reported in the literature in individuals affected with MMAB-related conditions. ClinVar contains an entry for this variant (Variation ID: 643413). Algorithms developed to predict the effect of missense changes on protein structure and function output the following: SIFT: "Tolerated"; PolyPhen-2: "Benign"; Align-GVGD: "Class C0". The cysteine amino acid residue is found in multiple mammalian species, which suggests that this missense change does not adversely affect protein function. In summary, the available evidence is currently insufficient to determine the role of this variant in disease. Therefore, it has been classified as a Variant of Uncertain Significance.

Natera, Inc.
Classification: Uncertain significance for Methylmalonic aciduria cblB type. Last evaluated: 2020-01-24. Review status: no assertion criteria provided. Collection method: clinical testing. Allele origin: germline. Not counted in ClinVar's aggregate classification.